The following is an entry in ClinVar:

NM_006231.4(POLE):c.1492G>T (p.Gly498Cys)

Gene: POLE (DNA polymerase epsilon, catalytic subunit; minus strand). Cytogenetic location: 12q24.33.
Variant type: single nucleotide variant.
Coding change: c.1492G>T on transcript NM_006231.4 (MANE Select); coding-DNA position 1492, G replaced by T.
Protein change: p.Gly498Cys; replaces glycine 498 with cysteine.
Molecular consequence: missense variant.
Genome position (GRCh38, 1-based): chr12:132,672,821, C>A on the plus strand (G>T on the coding strand, the complement: POLE is on the minus strand). VCF-style: chr12-132672821-C-A. GRCh37 (hg19) VCF-style: chr12-133249407-C-A.
Other names: short protein forms G498C.
Identifiers: ClinVar variation 2755824 (VCV002755824.3), dbSNP rs1593071383, ClinGen allele CA387357682.

ClinVar aggregate classification (germline): Uncertain significance (1 of 4 stars; one submission).

Submission:

Labcorp Genetics (formerly Invitae), Labcorp
Classification: Uncertain significance. Last evaluated: 2023-08-28. Review status: criteria provided, single submitter. Criteria: Invitae Variant Classification Sherloc (09022015). Collection method: clinical testing. Allele origin: germline.
Comment: In summary, the available evidence is currently insufficient to determine the role of this variant in disease. Therefore, it has been classified as a Variant of Uncertain Significance. Advanced modeling of protein sequence and biophysical properties (such as structural, functional, and spatial information, amino acid conservation, physicochemical variation, residue mobility, and thermodynamic stability) performed at Invitae indicates that this missense variant is expected to disrupt POLE protein function. This variant has not been reported in the literature in individuals affected with POLE-related conditions. This variant is not present in population databases (gnomAD no frequency). This sequence change replaces glycine, which is neutral and non-polar, with cysteine, which is neutral and slightly polar, at codon 498 of the POLE protein (p.Gly498Cys).